The following is an entry in ClinVar:

ClinVar aggregate classification (germline): Likely benign (1 of 4 stars; one submission).

Submission:

CeGaT Center for Human Genetics Tuebingen
Classification: Likely benign. Last evaluated: 2023-10-01. Review status: criteria provided, single submitter. Criteria: CeGaT Center For Human Genetics Tuebingen Variant Classification Criteria Version 2. Collection method: clinical testing. Allele origin: germline. Affected: yes. Observed: 1 variant allele.
Comment: SPEG: BP4, BP7

NM_005876.5(SPEG):c.4569G>T (p.Val1523=)

Gene: SPEG (striated muscle enriched protein kinase; plus strand). Cytogenetic location: 2q35.
Variant type: single nucleotide variant.
Coding change: c.4569G>T on transcript NM_005876.5 (MANE Select); coding-DNA position 4569, G replaced by T.
Protein change: p.Val1523=; no amino-acid change (valine 1523 retained).
Molecular consequence: synonymous variant.
Genome position (GRCh38, 1-based): chr2:219,477,285, G>T. VCF-style: chr2-219477285-G-T. GRCh37 (hg19) VCF-style: chr2-220342007-G-T.
Identifiers: ClinVar variation 2582992 (VCV002582992.25), dbSNP rs1173013880, ClinGen allele CA431284246.